The following is an entry in ClinVar:

NM_033409.4(SLC52A3):c.1206G>C (p.Ser402=)

Gene: SLC52A3 (solute carrier family 52 member 3; minus strand). Cytogenetic location: 20p13.
Variant type: single nucleotide variant.
Coding change: c.1206G>C on transcript NM_033409.4 (MANE Select); coding-DNA position 1206, G replaced by C.
Protein change: p.Ser402=; no amino-acid change (serine 402 retained).
Molecular consequence: synonymous variant.
Genome position (GRCh38, 1-based): chr20:761,230, C>G on the plus strand (G>C on the coding strand, the complement: SLC52A3 is on the minus strand). VCF-style: chr20-761230-C-G. GRCh37 (hg19) VCF-style: chr20-741874-C-G.
Other names: c.1206G>C, p.Ser402= (NM_001370085.1, NM_001370086.1).
Identifiers: ClinVar variation 2772135 (VCV002772135.7), dbSNP rs751747223, ClinGen allele CA9724541.
Genomic context (GRCh38, chr20:761,230, plus strand): 5'-GCGCAGGACCACGCCCAGCATCACCTTGACGTAACTGAGGCAGCCGCTGAAAAGCACCCA[C>G]GAGGCCACCTGCGGGGCCGGGAGGGAAGAGGTGCAGAGTCACGGGGCTTGCGGGGCGAGC-3'
Protein context (NP_212134.3, residues 392-412): HWGGEVLIVA[Ser402=]WVLFSGCLSY

ClinVar aggregate classification (germline): Likely benign. Review status: criteria provided, multiple submitters, no conflicts (2 of 4 stars). 2 submissions from 2 submitters: Likely benign (2). Last evaluated 2026-02-01.

Conditions:
Brown-Vialetto-van Laere syndrome 1. Also called: BROWN-VIALETTO-VAN LAERE SYNDROME 1, MILD; BULBAR PALSY, PROGRESSIVE, WITH SENSORINEURAL DEAFNESS; PONTOBULBAR PALSY WITH DEAFNESS. Identifiers: Orphanet 572550, Orphanet 97229, MedGen C0796274, MONDO:0024537, OMIM 211530.

gnomAD v4.1: 81 of 1,550,382 alleles (0.0052%); highest among the groups gnomAD compares: South Asian, 0.091%; no homozygotes.

Submissions (2):

CeGaT Center for Human Genetics Tuebingen
Classification: Likely benign. Last evaluated: 2026-02-01. Review status: criteria provided, single submitter. Criteria: CeGaT Center For Human Genetics Tuebingen Variant Classification Criteria Version 2. Collection method: clinical testing. Allele origin: germline. Affected: yes. Observed: 1 variant allele.
Comment: SLC52A3: BP4, BP7

Labcorp Genetics (formerly Invitae), Labcorp
Classification: Likely benign for Brown-Vialetto-van Laere syndrome 1. Last evaluated: 2023-06-23. Review status: criteria provided, single submitter. Criteria: Invitae Variant Classification Sherloc (09022015). Collection method: clinical testing. Allele origin: germline.